The following is an entry in ClinVar:

ClinVar aggregate classification (germline): Benign/Likely benign. Review status: criteria provided, multiple submitters, no conflicts (2 of 4 stars). 4 submissions from 4 submitters: Benign (1); Likely benign (3). Last evaluated 2026-01-08.

Conditions:
Li-Fraumeni syndrome (LFS). Also called: Sarcoma family syndrome of Li and Fraumeni. Identifiers: Orphanet 524, MedGen C0085390, MONDO:0018875.
Familial cancer of breast. Also called: BREAST CANCER, FAMILIAL; hereditary breast carcinoma; Hereditary breast cancer. Identifiers: Orphanet 227535, MedGen C0346153, MONDO:0016419, OMIM 114480. Disease mechanism: loss of function.
Hereditary cancer-predisposing syndrome. Also called: Tumor predisposition; Hereditary Cancer Syndrome; Neoplastic Syndromes, Hereditary; Hereditary neoplastic syndrome. Identifiers: Orphanet 140162, MedGen C0027672, MeSH D009386, MONDO:0015356.

Allele frequency attached by ClinVar (database versions not stated): gnomAD exomes below 0.00001; gnomAD 0.00001.
gnomAD v4.1: 5 of 1,613,796 alleles (0.00031%); highest among the groups gnomAD compares: Non-Finnish European, 0.00034%; no homozygotes.

Submissions (4):

Labcorp Genetics (formerly Invitae), Labcorp
Classification: Likely benign for Familial cancer of breast. Last evaluated: 2026-01-08. Review status: criteria provided, single submitter. Criteria: Invitae Variant Classification Sherloc (09022015). Collection method: clinical testing. Allele origin: germline.

Myriad Genetics, Inc.
Classification: Benign for Familial cancer of breast. Last evaluated: 2024-10-03. Review status: criteria provided, single submitter. Criteria: Myriad Autosomal Dominant, Autosomal Recessive and X-Linked Classification Criteria (2023). Collection method: clinical testing. Allele origin: unknown.
Comment: This variant is considered benign. This variant is a silent/synonymous amino acid change and it is not expected to impact splicing.

Ambry Genetics
Classification: Likely benign for Hereditary cancer-predisposing syndrome. Last evaluated: 2023-08-25. Review status: criteria provided, single submitter. Criteria: Ambry Variant Classification Scheme 2023. Collection method: clinical testing. Allele origin: germline.

Department of Pathology and Laboratory Medicine, Sinai Health System
Classification: Likely benign for Li-Fraumeni syndrome. Last evaluated: 2021-04-08. Review status: criteria provided, single submitter. Criteria: ACMG Guidelines, 2015. Collection method: clinical testing. Allele origin: germline. Affected: yes.

NM_007194.4(CHEK2):c.753C>T (p.Ile251=)

Gene: CHEK2 (checkpoint kinase 2; minus strand). Cytogenetic location: 22q12.1.
Variant type: single nucleotide variant.
Coding change: c.753C>T on transcript NM_007194.4 (MANE Select); coding-DNA position 753, C replaced by T.
Protein change: p.Ile251=; no amino-acid change (isoleucine 251 retained).
Molecular consequence: synonymous variant.
Genome position (GRCh38, 1-based): chr22:28,711,948, G>A on the plus strand (C>T on the coding strand, the complement: CHEK2 is on the minus strand). VCF-style: chr22-28711948-G-A. GRCh37 (hg19) VCF-style: chr22-29107936-G-A.
Other names: c.882C>T, p.Ile294= (NM_001005735.3); c.90C>T, p.Ile30= (NM_001257387.3); c.552C>T, p.Ile184= (NM_001349956.3); c.753C>T, p.Ile251= (NM_145862.3).
Identifiers: ClinVar variation 754842 (VCV000754842.15), dbSNP rs1422471902, ClinGen allele CA513945176.